The following is an entry in ClinVar:

NM_001853.4(COL9A3):c.1486G>C (p.Gly496Arg)

Genes: COL9A3 (collagen type IX alpha 3 chain; plus strand), LOC126863084 (MED14-independent group 3 enhancer GRCh37_chr20:61467141-61468340; plus strand). Cytogenetic location: 20q13.33.
Variant type: single nucleotide variant.
Coding change: c.1486G>C on transcript NM_001853.4 (MANE Select); coding-DNA position 1486, G replaced by C.
Protein change: p.Gly496Arg; replaces glycine 496 with arginine.
Molecular consequence: missense variant.
Genome position (GRCh38, 1-based): chr20:62,836,271, G>C. VCF-style: chr20-62836271-G-C. GRCh37 (hg19) VCF-style: chr20-61467623-G-C.
Other names: short protein forms G496R.
Identifiers: ClinVar variation 3773688 (VCV003773688.3).

ClinVar aggregate classification (germline): Likely pathogenic (1 of 4 stars; one submission).

Conditions:
Stickler syndrome, type 6. Also called: Stickler syndrome, type VI; Stickler syndrome, IIa 6. Identifiers: MedGen C5774207, MONDO:0031047, OMIM 620022.

Submission:

Institute of Human Genetics, University of Leipzig Medical Center
Classification: Likely pathogenic for Stickler syndrome, type 6. Last evaluated: 2025-01-20. Review status: criteria provided, single submitter. Criteria: ACMG Guidelines, 2015. Collection method: clinical testing. Allele origin: paternal. Inheritance: Autosomal recessive inheritance. Affected: yes.
Comment: Criteria applied: PM1_STR,PM2,PP3; Identified as compund heterozygous with NM_001853.4:c.1369-3C>G